The following is an entry in ClinVar:

ClinVar aggregate classification (germline): Uncertain significance (1 of 4 stars; one submission).

gnomAD v4.1: 32 of 1,611,724 alleles (0.002%); highest among the groups gnomAD compares: East Asian, 0.062%; no homozygotes.

Submission:

Ambry Genetics
Classification: Uncertain significance. Last evaluated: 2024-11-26. Review status: criteria provided, single submitter. Criteria: Ambry Variant Classification Scheme 2023. Collection method: clinical testing. Allele origin: germline.
Comment: The p.V1080M variant (also known as c.3238G>A), located in coding exon 12 of the WNK2 gene, results from a G to A substitution at nucleotide position 3238. The valine at codon 1080 is replaced by methionine, an amino acid with highly similar properties. This amino acid position is conserved. In addition, this alteration is predicted to be tolerated by in silico analysis. Based on the available evidence, the clinical significance of this variant remains unclear.

NM_006648.4(WNK2):c.3238G>A (p.Val1080Met)

Gene: WNK2 (WNK lysine deficient protein kinase 2; plus strand). Cytogenetic location: 9q22.31.
Variant type: single nucleotide variant.
Coding change: c.3238G>A on transcript NM_006648.4 (MANE Select); coding-DNA position 3238, G replaced by A.
Protein change: p.Val1080Met; replaces valine 1080 with methionine.
Molecular consequence: missense variant.
Genome position (GRCh38, 1-based): chr9:93,261,985, G>A. VCF-style: chr9-93261985-G-A. GRCh37 (hg19) VCF-style: chr9-96024267-G-A.
Other names: c.3238G>A, p.Val1080Met (NM_001282394.3); short protein forms V1080M.
Identifiers: ClinVar variation 3333150 (VCV003333150.2).
Genomic context (GRCh38, chr9:93,261,985, plus strand): 5'-CCTGCCGCCCCTGAGCTCCTGCCTCAGTTCCCCAGCTCCCTGGCCACGGTGTCTGCCTCT[G>A]TGCAGAGTGTGCCCACCCAGACTGCCACACTTCTGCCACCAGCAAACCCACCGCTGCCTG-3'
Protein context (NP_006639.3, residues 1070-1090): PSSLATVSAS[Val1080Met]QSVPTQTATL